The following is an entry in ClinVar:

ClinVar aggregate classification (germline): Uncertain significance (1 of 4 stars; one submission).

Submission:

Labcorp Genetics (formerly Invitae), Labcorp
Classification: Uncertain significance. Last evaluated: 2024-07-29. Review status: criteria provided, single submitter. Criteria: Invitae Variant Classification Sherloc (09022015). Collection method: clinical testing. Allele origin: germline.
Comment: This sequence change replaces valine, which is neutral and non-polar, with alanine, which is neutral and non-polar, at codon 113 of the HYOU1 protein (p.Val113Ala). This variant is not present in population databases (gnomAD no frequency). This variant has not been reported in the literature in individuals affected with HYOU1-related conditions. ClinVar contains an entry for this variant (Variation ID: 1715314). An algorithm developed to predict the effect of missense changes on protein structure and function (PolyPhen-2) suggests that this variant is likely to be disruptive. In summary, the available evidence is currently insufficient to determine the role of this variant in disease. Therefore, it has been classified as a Variant of Uncertain Significance.

NM_006389.5(HYOU1):c.338T>C (p.Val113Ala)

Gene: HYOU1 (hypoxia up-regulated 1; minus strand). Cytogenetic location: 11q23.3.
Variant type: single nucleotide variant.
Coding change: c.338T>C on transcript NM_006389.5 (MANE Select); coding-DNA position 338, T replaced by C.
Protein change: p.Val113Ala; replaces valine 113 with alanine.
Molecular consequence: missense variant.
Genome position (GRCh38, 1-based): chr11:119,055,266, A>G on the plus strand (T>C on the coding strand, the complement: HYOU1 is on the minus strand). VCF-style: chr11-119055266-A-G. GRCh37 (hg19) VCF-style: chr11-118925978-A-G.
Other names: c.338T>C, p.Val113Ala (NM_001130991.3, NM_001411041.1); short protein forms V113A.
Identifiers: ClinVar variation 1715314 (VCV001715314.5), dbSNP rs2497206252, ClinGen allele CA382952748.